The following is an entry in ClinVar:

NM_016312.3(WBP11):c.612del (p.Gly205fs)

Gene: WBP11 (WW domain binding protein 11; minus strand). Cytogenetic location: 12p12.3.
Variant type: Deletion.
Coding change: c.612del on transcript NM_016312.3 (MANE Select); coding-DNA position 612, one base deleted (T; older notation c.612delT).
Protein change: p.Gly205fs; shifts the reading frame from glycine 205.
Molecular consequence: frameshift variant.
Genome position (GRCh38, 1-based): chr12:14,794,646, A deleted on the plus strand (T on the coding strand, the reverse complement: WBP11 is on the minus strand). VCF-style (leftmost placement, unchanged base first): chr12-14794645-CA-C. GRCh37 (hg19) VCF-style: chr12-14947579-CA-C.
Other names: c.612delT (NM_016312.3); short protein forms G205fs.
Identifiers: ClinVar variation 917486 (VCV000917486.6), dbSNP rs1949868116, ClinGen allele CA1139662535.
Genomic context (GRCh38, chr12:14,794,645, plus strand): 5'-GATCTAGGGCAAAACCCACTTTACGGCCATACATCTGCACGACTTGAGGAGGAGGTGGAC[CA>C]GGGGGAGGGCCAGGAGGTTTTCTGCCAGGGGGCAAACGTGGAACACCATGTCCAAGAAGA-3'

ClinVar aggregate classification (germline): Likely pathogenic. Review status: criteria provided, multiple submitters, no conflicts (2 of 4 stars). 4 submissions from 4 submitters: Likely pathogenic (2). 2 of the submissions do not count toward it. Last evaluated 2022-07-15.

Conditions:
Vertebral, cardiac, tracheoesophageal, renal, and limb defects. Also called: VCTERL SYNDROME. Identifiers: MedGen C5543189, MONDO:0030987, OMIM 619227.
WBP11 spliceosomopathy.

Submissions (4):

Laboratorio de Genetica e Diagnostico Molecular, Hospital Israelita Albert Einstein
Classification: Likely pathogenic for Vertebral, cardiac, tracheoesophageal, renal, and limb defects. Last evaluated: 2022-07-15. Review status: criteria provided, single submitter. Criteria: ACMG Guidelines, 2015. Collection method: clinical testing. Allele origin: germline. Affected: yes. Observed: 1 variant allele.
Comment: ACMG classification criteria: PVS1 strong, PS4 supporting, PM2 moderated, PP1 supporting

Embryology Laboratory, Victor Chang Cardiac Research Institute
Classification: Likely pathogenic for WBP11 spliceosomopathy. Last evaluated: 2020-06-01. Review status: criteria provided, single submitter. Criteria: ACMG Guidelines, 2015. Collection method: research, clinical testing. Allele origin: unknown. Affected: yes. Observed: 3 variant alleles. Clinical features observed: Renal agenesis, Short stature, microcephaly, Ventriculomegaly, Agenesis of corpus callosum, Global developmental delay, Attention deficit hyperactivity disorder, Patent foramen ovale, Ventricular septal defect, Patent ductus arteriosus, Tracheoesophageal fistula, Esophageal atresia, and 3 more.

Gharavi Laboratory, Columbia University
Classification: Likely pathogenic for Vertebral, cardiac, tracheoesophageal, renal, and limb defects. Last evaluated: 2024-11-05. Review status: no assertion criteria provided. Criteria: ACMG Guidelines, 2015. Collection method: case-control. Allele origin: germline. Affected: yes. Not counted in ClinVar's aggregate classification.

OMIM
Classification: Pathogenic for VERTEBRAL, CARDIAC, TRACHEOESOPHAGEAL, RENAL, AND LIMB DEFECTS. Last evaluated: 2021-03-19. Review status: no assertion criteria provided. Collection method: literature only. Allele origin: germline. Not counted in ClinVar's aggregate classification.

Literature cited by the submitters: PubMed 33276377 (cited by OMIM).